The following is an entry in ClinVar:

ClinVar aggregate classification (germline): Uncertain significance (1 of 4 stars; one submission).

Conditions:
Renal cell carcinoma. Identifiers: Orphanet 217071, MedGen C0007134, MeSH D002292, MONDO:0005086, HP:0005584.

Submission:

Labcorp Genetics (formerly Invitae), Labcorp
Classification: Uncertain significance for Renal cell carcinoma. Last evaluated: 2016-03-12. Review status: criteria provided, single submitter. Criteria: Invitae Variant Classification Sherloc (09022015). Collection method: clinical testing. Allele origin: germline.
Comment: This sequence change affects an acceptor splice site in intron 18 of the MET gene. It is expected to disrupt mRNA splicing and likely results in an absent or disrupted protein product. While this particular variant has not been reported in the literature, truncating variants in MET are not necessarily pathogenic (PMID: 9140397), and the clinical significance of this variant is uncertain at this time. In summary, this is a novel variant and without additional functional and/or genetic data, it has been classified as a Variant of Uncertain Significance.

Literature cited by the submitters: PubMed 9140397.

NM_000245.4(MET):c.3633-2A>G

Gene: MET (MET proto-oncogene, receptor tyrosine kinase; plus strand). Cytogenetic location: 7q31.2.
Variant type: single nucleotide variant.
Coding change: c.3633-2A>G on transcript NM_000245.4 (MANE Select); the canonical splice acceptor site of the intron before coding-DNA position 3633, A replaced by G.
Molecular consequence: splice acceptor variant.
Genome position (GRCh38, 1-based): chr7:116,783,302, A>G. VCF-style: chr7-116783302-A-G. GRCh37 (hg19) VCF-style: chr7-116423356-A-G.
Other names: c.3687-2A>G (NM_001127500.3); c.2343-2A>G (NM_001324402.2).
Identifiers: ClinVar variation 246640 (VCV000246640.10), dbSNP rs879254337, ClinGen allele CA10584667.